The following is an entry in ClinVar:

NM_002578.5(PAK3):c.379G>C (p.Asp127His)

Gene: PAK3 (p21 (RAC1) activated kinase 3; plus strand). Cytogenetic location: Xq23.
Variant type: single nucleotide variant.
Coding change: c.379G>C on transcript NM_002578.5 (MANE Select); coding-DNA position 379, G replaced by C.
Protein change: p.Asp127His; replaces aspartic acid 127 with histidine.
Molecular consequence: missense variant. On other transcripts: non-coding transcript variant (2).
Genome position (GRCh38, 1-based): chrX:111,147,839, G>C. VCF-style: chrX-111147839-G-C. GRCh37 (hg19) VCF-style: chrX-110391067-G-C.
Other names: c.379G>C, p.Asp127His (NM_001128166.3, NM_001128167.3, NM_001324325.2 and 5 more transcripts); c.487G>C, p.Asp163His (NM_001128168.3); c.442G>C, p.Asp148His (NM_001128172.2); c.424G>C, p.Asp142His (NM_001128173.3, NM_001324327.2, NM_001324328.2 and 2 more transcripts); short protein forms D127H, D142H, D148H, D163H.
Identifiers: ClinVar variation 1697004 (VCV001697004.2), dbSNP rs2093969404, ClinGen allele CA414244941.
Genomic context (GRCh38, chrX:111,147,839, plus strand): 5'-ATAACAAAATTGGAACAGAAGAAGAACCCACAAGCTGTTCTAGATGTTCTCAAATTCTAT[G>C]ATTCCAAAGAAACAGTCAACAACCAGAAATACATGAGCTTTACATCAGGAGGTAAGAGGA-3'
Protein context (NP_002569.1, residues 117-137): QAVLDVLKFY[Asp127His]SKETVNNQKY

ClinVar aggregate classification (germline): Uncertain significance (1 of 4 stars; one submission).

Submission:

GeneDx
Classification: Uncertain significance. Last evaluated: 2022-01-12. Review status: criteria provided, single submitter. Criteria: GeneDx Variant Classification Process June 2021. Collection method: clinical testing. Allele origin: germline. Affected: yes.
Comment: Not observed at significant frequency in large population cohorts (gnomAD); In silico analysis supports that this missense variant has a deleterious effect on protein structure/function; Has not been previously published as pathogenic or benign to our knowledge